The following is an entry in ClinVar:

ClinVar aggregate classification (germline): Likely benign (1 of 4 stars; one submission).

gnomAD v4.1: 62 of 1,613,686 alleles (0.0038%); highest among the groups gnomAD compares: Non-Finnish European, 0.0053%; no homozygotes.

Submission:

CeGaT Center for Human Genetics Tuebingen
Classification: Likely benign. Last evaluated: 2025-08-01. Review status: criteria provided, single submitter. Criteria: CeGaT Center For Human Genetics Tuebingen Variant Classification Criteria Version 2. Collection method: clinical testing. Allele origin: germline. Affected: yes. Observed: 1 variant allele.
Comment: TANC2: BP4, BP7

NM_001394998.1(TANC2):c.4926T>C (p.Ser1642=)

Gene: TANC2 (tetratricopeptide repeat, ankyrin repeat and coiled-coil containing 2; plus strand). Cytogenetic location: 17q23.3.
Variant type: single nucleotide variant.
Coding change: c.4926T>C on transcript NM_001394998.1 (MANE Select); coding-DNA position 4926, T replaced by C.
Protein change: p.Ser1642=; no amino-acid change (serine 1642 retained).
Molecular consequence: synonymous variant.
Genome position (GRCh38, 1-based): chr17:63,420,656, T>C. VCF-style: chr17-63420656-T-C. GRCh37 (hg19) VCF-style: chr17-61498017-T-C.
Other names: c.4704T>C, p.Ser1568= (NM_001411076.1); c.4674T>C, p.Ser1558= (NM_025185.4).
Identifiers: ClinVar variation 4084976 (VCV004084976.8).